The following is an entry in ClinVar:

ClinVar aggregate classification (germline): Uncertain significance (1 of 4 stars; one submission).

Submission:

Labcorp Genetics (formerly Invitae), Labcorp
Classification: Uncertain significance. Last evaluated: 2024-12-19. Review status: criteria provided, single submitter. Criteria: Invitae Variant Classification Sherloc (09022015). Collection method: clinical testing. Allele origin: germline.
Comment: This sequence change replaces cysteine, which is neutral and slightly polar, with arginine, which is basic and polar, at codon 132 of the LRRC10 protein (p.Cys132Arg). This variant is present in population databases (no rsID available, gnomAD 0.006%). This variant has not been reported in the literature in individuals affected with LRRC10-related conditions. An algorithm developed to predict the effect of missense changes on protein structure and function outputs the following: PolyPhen-2: "Benign". The arginine amino acid residue is found in multiple mammalian species, which suggests that this missense change does not adversely affect protein function. In summary, the available evidence is currently insufficient to determine the role of this variant in disease. Therefore, it has been classified as a Variant of Uncertain Significance.

NM_201550.4(LRRC10):c.394T>C (p.Cys132Arg)

Gene: LRRC10 (leucine rich repeat containing 10; minus strand). Cytogenetic location: 12q15.
Variant type: single nucleotide variant.
Coding change: c.394T>C on transcript NM_201550.4 (MANE Select); coding-DNA position 394, T replaced by C.
Protein change: p.Cys132Arg; replaces cysteine 132 with arginine.
Molecular consequence: missense variant.
Genome position (GRCh38, 1-based): chr12:69,610,445, A>G on the plus strand (T>C on the coding strand, the complement: LRRC10 is on the minus strand). VCF-style: chr12-69610445-A-G. GRCh37 (hg19) VCF-style: chr12-70004225-A-G.
Other names: short protein forms C132R.
Identifiers: ClinVar variation 3667100 (VCV003667100.2).